The following is an entry in ClinVar:

ClinVar aggregate classification (germline): Uncertain significance (1 of 4 stars; one submission).

Submission:

Labcorp Genetics (formerly Invitae), Labcorp
Classification: Uncertain significance. Last evaluated: 2022-07-22. Review status: criteria provided, single submitter. Criteria: Invitae Variant Classification Sherloc (09022015). Collection method: clinical testing. Allele origin: germline.
Comment: In summary, the available evidence is currently insufficient to determine the role of this variant in disease. Therefore, it has been classified as a Variant of Uncertain Significance. Algorithms developed to predict the effect of missense changes on protein structure and function are either unavailable or do not agree on the potential impact of this missense change (SIFT: "Not Available"; PolyPhen-2: "Benign"; Align-GVGD: "Not Available"). ClinVar contains an entry for this variant (Variation ID: 1512862). This variant has not been reported in the literature in individuals affected with OR2W3-related conditions. Information on the frequency of this variant in the gnomAD database is not available, as this variant may be reported differently in the database. This sequence change replaces methionine, which is neutral and non-polar, with alanine, which is neutral and non-polar, at codon 275 of the OR2W3 protein (p.Met275Ala).

NM_001001957.2(OR2W3):c.823_824delinsGC (p.Met275Ala)

Gene: OR2W3 (olfactory receptor family 2 subfamily W member 3; plus strand). Cytogenetic location: 1q44.
Variant type: Indel.
Coding change: c.823_824delinsGC on transcript NM_001001957.2 (MANE Select); coding-DNA positions 823 to 824, AT replaced by GC.
Protein change: p.Met275Ala; replaces methionine 275 with alanine.
Molecular consequence: missense variant.
Genome position (GRCh38, 1-based): chr1:247,896,409-247,896,410, AT replaced by GC. VCF-style: chr1-247896409-AT-GC. GRCh37 (hg19) VCF-style: chr1-248059711-AT-GC.
Other names: short protein forms M275A.
Identifiers: ClinVar variation 1512862 (VCV001512862.6), dbSNP rs2103350235, ClinGen allele CA2573132962.